The following is an entry in ClinVar:

NM_001849.4(COL6A2):c.2770G>A (p.Ala924Thr)

Gene: COL6A2 (collagen type VI alpha 2 chain; plus strand). Cytogenetic location: 21q22.3.
Variant type: single nucleotide variant.
Coding change: c.2770G>A on transcript NM_001849.4 (MANE Select); coding-DNA position 2770, G replaced by A.
Protein change: p.Ala924Thr; replaces alanine 924 with threonine.
Molecular consequence: missense variant.
Genome position (GRCh38, 1-based): chr21:46,132,262, G>A. VCF-style: chr21-46132262-G-A. GRCh37 (hg19) VCF-style: chr21-47552176-G-A.
Other names: short protein forms A924T.
Identifiers: ClinVar variation 542992 (VCV000542992.15), dbSNP rs771749652, ClinGen allele CA10073016.

ClinVar aggregate classification (germline): Uncertain significance. Review status: criteria provided, multiple submitters, no conflicts (2 of 4 stars). 4 submissions from 4 submitters: Uncertain significance (4). Last evaluated 2025-10-02.

Conditions:
Bethlem myopathy 1A. Also called: MYOPATHY, BENIGN CONGENITAL, WITH CONTRACTURES; Bethlem Muscular Dystrophy; Bethlem myopathy 1. Identifiers: Orphanet 610, MedGen CN029274, MONDO:0024530, OMIM 158810.

Allele frequency attached by ClinVar (database versions not stated): gnomAD exomes 0.00003 and 0.00002; ExAC 0.00004; gnomAD 0.00005; TOPMed 0.00006.
gnomAD v4.1: 51 of 1,605,668 alleles (0.0032%); highest among the groups gnomAD compares: Middle Eastern, 0.016%; 1 homozygote.

Submissions (4):

Labcorp Genetics (formerly Invitae), Labcorp
Classification: Uncertain significance for Bethlem myopathy 1A. Last evaluated: 2025-10-02. Review status: criteria provided, single submitter. Criteria: Invitae Variant Classification Sherloc (09022015). Collection method: clinical testing. Allele origin: germline.
Comment: This sequence change replaces alanine, which is neutral and non-polar, with threonine, which is neutral and polar, at codon 924 of the COL6A2 protein (p.Ala924Thr). This variant is present in population databases (rs771749652, gnomAD 0.009%). This variant has not been reported in the literature in individuals affected with COL6A2-related conditions. ClinVar contains an entry for this variant (Variation ID: 542992). Invitae Evidence Modeling of protein sequence and biophysical properties (such as structural, functional, and spatial information, amino acid conservation, physicochemical variation, residue mobility, and thermodynamic stability) indicates that this missense variant is not expected to disrupt COL6A2 protein function with a negative predictive value of 80%. In summary, the available evidence is currently insufficient to determine the role of this variant in disease. Therefore, it has been classified as a Variant of Uncertain Significance.

Revvity Omics, Revvity
Classification: Uncertain significance. Last evaluated: 2022-05-19. Review status: criteria provided, single submitter. Criteria: ACMG Guidelines, 2015. Collection method: clinical testing. Allele origin: germline.

GeneDx
Classification: Uncertain significance. Last evaluated: 2019-07-01. Review status: criteria provided, single submitter. Criteria: GeneDx Variant Classification Process June 2021. Collection method: clinical testing. Allele origin: germline. Affected: yes.
Comment: In silico analysis, which includes protein predictors and evolutionary conservation, supports that this variant does not alter protein structure/function; Has not been previously published as pathogenic or benign to our knowledge

Eurofins Ntd Llc (ga)
Classification: Uncertain significance. Last evaluated: 2017-10-05. Review status: criteria provided, single submitter. Criteria: EGL Classification Definitions 2015. Collection method: clinical testing. Allele origin: germline. Observed: 1 variant allele, 1 heterozygote.